The following is an entry in ClinVar:

NM_013236.4(ATXN10):c.116+4A>T

Genes: ATXN10 (ataxin 10; plus strand), LOC130067689 (ATAC-STARR-seq lymphoblastoid silent region 13886; plus strand). Cytogenetic location: 22q13.31.
Variant type: single nucleotide variant.
Coding change: c.116+4A>T on transcript NM_013236.4 (MANE Select); 4 bases into the intron after coding-DNA position 116, A replaced by T.
Molecular consequence: intron variant.
Genome position (GRCh38, 1-based): chr22:45,672,183, A>T. VCF-style: chr22-45672183-A-T. GRCh37 (hg19) VCF-style: chr22-46068063-A-T.
Other names: c.116+4A>T (NM_001167621.2).
Identifiers: ClinVar variation 930719 (VCV000930719.3), dbSNP rs1160067775, ClinGen allele CA1139667158.

ClinVar aggregate classification (germline): Uncertain significance (1 of 4 stars; one submission).

Conditions:
Spinocerebellar ataxia type 10 (SCA10). Identifiers: Orphanet 98761, MedGen C1963674, MONDO:0011330, OMIM 603516.

Submission:

Centre for Mendelian Genomics, University Medical Centre Ljubljana
Classification: Uncertain significance for Spinocerebellar ataxia type 10. Last evaluated: 2019-03-01. Review status: criteria provided, single submitter. Criteria: ACMG Guidelines, 2015. Collection method: clinical testing. Allele origin: unknown. Affected: yes.
Comment: This variant was classified as: Uncertain significance. The available evidence on this variant's pathogenicity is insufficient or conflicting. The following ACMG criteria were applied in classifying this variant: PM2,PP3.